The following is an entry in ClinVar:

ClinVar aggregate classification (germline): Likely benign. Review status: criteria provided, multiple submitters, no conflicts (2 of 4 stars). 2 submissions from 2 submitters: Likely benign (2). Last evaluated 2023-11-13.

Conditions:
Inborn genetic diseases. Identifiers: MedGen C0950123, MeSH D030342.

Allele frequency attached by ClinVar (database versions not stated): gnomAD 0.00001; TOPMed 0.00004; ExAC 0.00011.
gnomAD v4.1: 48 of 1,206,957 alleles (0.004%); highest among the groups gnomAD compares: Middle Eastern, 0.046%; no homozygotes.

Submissions (2):

Ambry Genetics
Classification: Likely benign for Inborn genetic diseases. Last evaluated: 2023-11-13. Review status: criteria provided, single submitter. Criteria: Ambry Variant Classification Scheme 2023. Collection method: clinical testing. Allele origin: germline.

CeGaT Center for Human Genetics Tuebingen
Classification: Likely benign. Last evaluated: 2022-12-01. Review status: criteria provided, single submitter. Criteria: CeGaT Center For Human Genetics Tuebingen Variant Classification Criteria Version 2. Collection method: clinical testing. Allele origin: germline. Affected: yes. Observed: 1 variant allele.
Comment: RLIM: BS2

NM_016120.4(RLIM):c.292A>C (p.Ile98Leu)

Gene: RLIM (ring finger protein, LIM domain interacting; minus strand). Cytogenetic location: Xq13.2.
Variant type: single nucleotide variant.
Coding change: c.292A>C on transcript NM_016120.4 (MANE Select); coding-DNA position 292, A replaced by C.
Protein change: p.Ile98Leu; replaces isoleucine 98 with leucine.
Molecular consequence: missense variant.
Genome position (GRCh38, 1-based): chrX:74,593,023, T>G on the plus strand (A>C on the coding strand, the complement: RLIM is on the minus strand). VCF-style: chrX-74593023-T-G. GRCh37 (hg19) VCF-style: chrX-73812858-T-G.
Other names: c.292A>C, p.Ile98Leu (NM_183353.3); c.292A>C (NM_183353.2); short protein forms I98L.
Identifiers: ClinVar variation 2660928 (VCV002660928.25), dbSNP rs771072717, ClinGen allele CA10454733.